The following is an entry in ClinVar:

ClinVar aggregate classification (germline): Conflicting classifications of pathogenicity. Review status: criteria provided, conflicting classifications (1 of 4 stars). 4 submissions from 4 submitters: Uncertain significance (1); Benign (1); Likely benign (2). Last evaluated 2026-01-28.

Conditions:
NIPAL4-related disorder. Also called: NIPAL4-related condition.
Autosomal recessive congenital ichthyosis 6 (ARCI6). Identifiers: Orphanet 313, Orphanet 79394, MedGen C2677065, MONDO:0012847, OMIM 612281.

Allele frequency attached by ClinVar (database versions not stated): gnomAD 0.00062 and 0.00066; gnomAD exomes 0.00062 and 0.00083; ExAC 0.00070; TOPMed 0.00088; ESP Exome Variant Server 0.00048.
gnomAD v4.1: 1,062 of 1,614,002 alleles (0.066%); highest among the groups gnomAD compares: Middle Eastern, 2.1%; 12 homozygotes.

Submissions (4):

Labcorp Genetics (formerly Invitae), Labcorp
Classification: Benign. Last evaluated: 2026-01-28. Review status: criteria provided, single submitter. Criteria: Invitae Variant Classification Sherloc (09022015). Collection method: clinical testing. Allele origin: germline.

PreventionGenetics, part of Exact Sciences
Classification: Likely benign for NIPAL4-related condition. Last evaluated: 2025-01-24. Review status: criteria provided, single submitter. Criteria: ACMG Guidelines, 2015. Collection method: clinical testing. Allele origin: germline.
Comment: This variant is classified as likely benign based on ACMG/AMP sequence variant interpretation guidelines (Richards et al. 2015 PMID: 25741868, with internal and published modifications).

CeGaT Center for Human Genetics Tuebingen
Classification: Likely benign. Last evaluated: 2023-02-01. Review status: criteria provided, single submitter. Criteria: CeGaT Center For Human Genetics Tuebingen Variant Classification Criteria Version 2. Collection method: clinical testing. Allele origin: germline. Affected: yes. Observed: 1 variant allele.
Comment: NIPAL4: BP4, BP7, BS2

Illumina Laboratory Services, Illumina
Classification: Uncertain significance for Autosomal recessive congenital ichthyosis 6. Last evaluated: 2018-01-13. Review status: criteria provided, single submitter. Criteria: ICSL Variant Classification Criteria 13 December 2019. Collection method: clinical testing. Allele origin: germline.

NM_001099287.2(NIPAL4):c.193C>T (p.Leu65=)

Gene: NIPAL4 (NIPA like domain containing 4; plus strand). Cytogenetic location: 5q33.3.
Variant type: single nucleotide variant.
Coding change: c.193C>T on transcript NM_001099287.2 (MANE Select); coding-DNA position 193, C replaced by T.
Protein change: p.Leu65=; no amino-acid change (leucine 65 retained).
Molecular consequence: synonymous variant.
Genome position (GRCh38, 1-based): chr5:157,463,249, C>T. VCF-style: chr5-157463249-C-T. GRCh37 (hg19) VCF-style: chr5-156890257-C-T.
Other names: c.193C>T, p.Leu65= (NM_001172292.2).
Identifiers: ClinVar variation 352508 (VCV000352508.37), dbSNP rs374829524, ClinGen allele CA3534547.